The following is an entry in ClinVar:

ClinVar aggregate classification (germline): Uncertain significance. Review status: criteria provided, single submitter (1 of 4 stars). 3 submissions from 3 submitters: Uncertain significance (1). 2 of the submissions do not count toward it. Last evaluated 2025-02-03.

Conditions:
Aicardi-Goutieres syndrome 2. Identifiers: Orphanet 51, MedGen C3489724, MONDO:0012429, OMIM 610181.

Allele frequency attached by ClinVar (database versions not stated): gnomAD 0.00001; gnomAD exomes 0.00001 and 0.00003; TOPMed 0.00001; ExAC 0.00002.
gnomAD v4.1: 15 of 1,613,544 alleles (0.00093%); highest among the groups gnomAD compares: African/African-American, 0.0053%; no homozygotes.

Submissions (3):

Labcorp Genetics (formerly Invitae), Labcorp
Classification: Uncertain significance for Aicardi-Goutieres syndrome 2. Last evaluated: 2025-02-03. Review status: criteria provided, single submitter. Criteria: Invitae Variant Classification Sherloc (09022015). Collection method: clinical testing. Allele origin: germline.
Comment: This sequence change replaces arginine, which is basic and polar, with tryptophan, which is neutral and slightly polar, at codon 188 of the RNASEH2B protein (p.Arg188Trp). This variant is present in population databases (rs765368182, gnomAD 0.01%). This variant has not been reported in the literature in individuals affected with RNASEH2B-related conditions. ClinVar contains an entry for this variant (Variation ID: 1174789). Invitae Evidence Modeling of protein sequence and biophysical properties (such as structural, functional, and spatial information, amino acid conservation, physicochemical variation, residue mobility, and thermodynamic stability) has been performed for this missense variant. However, the output from this modeling did not meet the statistical confidence thresholds required to predict the impact of this variant on RNASEH2B protein function. In summary, the available evidence is currently insufficient to determine the role of this variant in disease. Therefore, it has been classified as a Variant of Uncertain Significance.

Clinical Genetics DNA and cytogenetics Diagnostics Lab, Erasmus MC, Erasmus Medical Center
Classification: Uncertain significance. Review status: no assertion criteria provided. Collection method: clinical testing. Allele origin: germline. Affected: yes. Study: VKGL Data-share Consensus. Not counted in ClinVar's aggregate classification.

Diagnostic Laboratory, Department of Genetics, University Medical Center Groningen
Classification: Uncertain significance. Review status: no assertion criteria provided. Collection method: clinical testing. Allele origin: germline. Affected: yes. Study: VKGL Data-share Consensus. Not counted in ClinVar's aggregate classification.

NM_024570.4(RNASEH2B):c.562C>T (p.Arg188Trp)

Gene: RNASEH2B (ribonuclease H2 subunit B; plus strand). Cytogenetic location: 13q14.3.
Variant type: single nucleotide variant.
Coding change: c.562C>T on transcript NM_024570.4 (MANE Select); coding-DNA position 562, C replaced by T.
Protein change: p.Arg188Trp; replaces arginine 188 with tryptophan.
Molecular consequence: missense variant.
Genome position (GRCh38, 1-based): chr13:50,945,478, C>T. VCF-style: chr13-50945478-C-T. GRCh37 (hg19) VCF-style: chr13-51519614-C-T.
Other names: c.562C>T, p.Arg188Trp (NM_001142279.2); short protein forms R188W.
Identifiers: ClinVar variation 1174789 (VCV001174789.11), dbSNP rs765368182, ClinGen allele CA6985617.
Genomic context (GRCh38, chr13:50,945,478, plus strand): 5'-GCTTCATAGGTTAATCAAACTGTGGCAGCATTAAAAACCAATAATGTGAATGTCAGTTCC[C>T]GGGTACAGTCAACTGCATTTTTCTCTGGTGACCAAGCTTCCACTGACAAGGAAGGTAAGT-3'
Protein context (NP_078846.2, residues 178-198): LKTNNVNVSS[Arg188Trp]VQSTAFFSGD